The following is an entry in ClinVar:

ClinVar aggregate classification (germline): Uncertain significance. Review status: criteria provided, multiple submitters, no conflicts (2 of 4 stars). 2 submissions from 2 submitters: Uncertain significance (2). Last evaluated 2022-06-27.

Conditions:
Muscular dystrophy-dystroglycanopathy (congenital with brain and eye anomalies), type A2. Also called: MUSCULAR DYSTROPHY-DYSTROGLYCANOPATHY (CONGENITAL WITH BRAIN AND EYE ANOMALIES), TYPE A, 2; WALKER-WARBURG SYNDROME OR MUSCLE-EYE-BRAIN DISEASE, POMT2-RELATED. Identifiers: Orphanet 588, Orphanet 899, MedGen C3150411, MONDO:0013154, OMIM 613150.
Muscular dystrophy-dystroglycanopathy (congenital with impaired intellectual development), type B, 2. Also called: Muscular dystrophy-dystroglycanopathy (congenital with intellectual disability), type B2; MUSCULAR DYSTROPHY, CONGENITAL, POMT2-RELATED. Identifiers: MedGen C3150416, MONDO:0013160, OMIM 613156.
Autosomal recessive limb-girdle muscular dystrophy type 2N. Also called: Muscular dystrophy-dystroglycanopathy (limb-girdle), type C, 2; MUSCULAR DYSTROPHY-DYSTROGLYCANOPATHY, LIMB-GIRDLE, POMT2-RELATED. Identifiers: Orphanet 206559, MedGen C3150418, MONDO:0013162, OMIM 613158.

Allele frequency attached by ClinVar (database versions not stated): TOPMed below 0.00001; gnomAD exomes below 0.00001.
gnomAD v4.1: 5 of 1,614,080 alleles (0.00031%); highest among the groups gnomAD compares: Non-Finnish European, 0.00042%; no homozygotes.

Submissions (2):

Labcorp Genetics (formerly Invitae), Labcorp
Classification: Uncertain significance for Muscular dystrophy-dystroglycanopathy (congenital with impaired intellectual development), type B, 2; Muscular dystrophy-dystroglycanopathy (congenital with brain and eye anomalies), type A2; Autosomal recessive limb-girdle muscular dystrophy type 2N. Last evaluated: 2022-06-27. Review status: criteria provided, single submitter. Criteria: Invitae Variant Classification Sherloc (09022015). Collection method: clinical testing. Allele origin: germline.
Comment: ClinVar contains an entry for this variant (Variation ID: 471391). This sequence change replaces leucine, which is neutral and non-polar, with phenylalanine, which is neutral and non-polar, at codon 610 of the POMT2 protein (p.Leu610Phe). This variant is not present in population databases (gnomAD no frequency). This variant has not been reported in the literature in individuals affected with POMT2-related conditions. Algorithms developed to predict the effect of missense changes on protein structure and function output the following: SIFT: "Tolerated"; PolyPhen-2: "Benign"; Align-GVGD: "Class C0". The phenylalanine amino acid residue is found in multiple mammalian species, which suggests that this missense change does not adversely affect protein function. In summary, the available evidence is currently insufficient to determine the role of this variant in disease. Therefore, it has been classified as a Variant of Uncertain Significance.

Revvity Omics, Revvity
Classification: Uncertain significance. Last evaluated: 2022-06-14. Review status: criteria provided, single submitter. Criteria: ACMG Guidelines, 2015. Collection method: clinical testing. Allele origin: germline.

NM_013382.7(POMT2):c.1828C>T (p.Leu610Phe)

Gene: POMT2 (protein O-mannosyltransferase 2; minus strand). Cytogenetic location: 14q24.3.
Variant type: single nucleotide variant.
Coding change: c.1828C>T on transcript NM_013382.7 (MANE Select); coding-DNA position 1828, C replaced by T.
Protein change: p.Leu610Phe; replaces leucine 610 with phenylalanine.
Molecular consequence: missense variant.
Genome position (GRCh38, 1-based): chr14:77,279,886, G>A on the plus strand (C>T on the coding strand, the complement: POMT2 is on the minus strand). VCF-style: chr14-77279886-G-A. GRCh37 (hg19) VCF-style: chr14-77746229-G-A.
Other names: short protein forms L610F.
Identifiers: ClinVar variation 471391 (VCV000471391.11), dbSNP rs1555351859, ClinGen allele CA390514608.